The following is an entry in ClinVar:

NM_023110.3(FGFR1):c.*1048_*1055del

Genes: FGFR1 (fibroblast growth factor receptor 1; minus strand), LOC102723716 (uncharacterized LOC102723716; minus strand). Cytogenetic location: 8p11.23.
Variant type: Deletion.
Coding change: c.*1048_*1055del on transcript NM_023110.3 (MANE Select); 1048 bases downstream of the stop codon through 1055 bases downstream of the stop codon, 8 bases deleted (CTCACGAC; older notation c.*1048_*1055delCTCACGAC).
Molecular consequence: 3 prime UTR variant. On other transcripts: non-coding transcript variant (1), frameshift variant (3).
Genome position (GRCh38, 1-based): chr8:38,412,573-38,412,580, GTCGTGAG deleted on the plus strand (CTCACGAC on the coding strand, the reverse complement: FGFR1 is on the minus strand); deleting any 8 consecutive bases within chr8:38,412,573-38,412,583 gives the same sequence; the c. name uses the placement nearest the transcript's 3' end. VCF-style (leftmost placement, unchanged base first): chr8-38412572-CGTCGTGAG-C. GRCh37 (hg19) VCF-style: chr8-38270090-CGTCGTGAG-C.
Other names: c.*1048_*1055del (NM_001174063.2, NM_001174064.2, NM_001174065.2 and 7 more transcripts); c.2302_2309del, p.Leu768fs (NM_001354367.2); c.2296_2303del, p.Leu766fs (NM_001354369.2); c.2035_2042del, p.Leu679fs (NM_001354370.2); short protein forms L679fs, L766fs, L768fs.
Identifiers: ClinVar variation 3036215 (VCV003036215.2), dbSNP rs1484840824, ClinGen allele CA851471187.

ClinVar aggregate classification (germline): Uncertain significance (0 of 4 stars; one submission).

Conditions:
FGFR1-related disorder. Also called: FGFR1-related condition; FGFR1-related disorders. Identifiers: MedGen CN380097.

Submission:

PreventionGenetics, part of Exact Sciences
Classification: Uncertain significance for FGFR1-related condition. Last evaluated: 2023-12-30. Review status: no assertion criteria provided. Collection method: clinical testing. Allele origin: germline.
Comment: The FGFR1 c.2302_2309del8 variant is predicted to result in a frameshift and premature protein termination (p.Leu768Alafs*28). To our knowledge, this variant has not been reported in the literature or in a large population database, indicating this variant is rare. Of note, this variant occurs in the last exon of the gene, therefore it is unknown if this variant impacts protein function. Although we suspect that this variant may be pathogenic, at this time, the clinical significance of this variant is uncertain due to the absence of conclusive functional and genetic evidence.